The following is an entry in ClinVar:

NM_003285.3(TNR):c.1749C>T (p.Ser583=)

Gene: TNR (tenascin R; minus strand). Cytogenetic location: 1q25.1.
Variant type: single nucleotide variant.
Coding change: c.1749C>T on transcript NM_003285.3 (MANE Select); coding-DNA position 1749, C replaced by T.
Protein change: p.Ser583=; no amino-acid change (serine 583 retained).
Molecular consequence: synonymous variant.
Genome position (GRCh38, 1-based): chr1:175,386,060, G>A on the plus strand (C>T on the coding strand, the complement: TNR is on the minus strand). VCF-style: chr1-175386060-G-A. GRCh37 (hg19) VCF-style: chr1-175355196-G-A.
Other names: c.750C>T, p.Ser250= (NM_001328635.2).
Identifiers: ClinVar variation 770118 (VCV000770118.5), dbSNP rs149364113, ClinGen allele CA1255851.

ClinVar aggregate classification (germline): Benign/Likely benign. Review status: criteria provided, multiple submitters, no conflicts (2 of 4 stars). 2 submissions from 2 submitters: Benign (1); Likely benign (1). Last evaluated 2026-08-01.

Allele frequency attached by ClinVar (database versions not stated): gnomAD 0.00017; TOPMed 0.00051; 1000 Genomes Project 0.00060; 1000 Genomes Project 30x 0.00062; ExAC 0.00123.
gnomAD v4.1: 364 of 1,601,598 alleles (0.023%); highest among the groups gnomAD compares: Admixed American, 0.6%; 3 homozygotes.

Submissions (2):

CeGaT Center for Human Genetics Tuebingen
Classification: Likely benign. Last evaluated: 2026-08-01. Review status: criteria provided, single submitter. Criteria: CeGaT Center For Human Genetics Tuebingen Variant Classification Criteria Version 2. Collection method: clinical testing. Allele origin: germline. Affected: yes. Observed: 2 variant alleles.
Comment: TNR: BP4, BP7

Labcorp Genetics (formerly Invitae), Labcorp
Classification: Benign. Last evaluated: 2019-12-31. Review status: criteria provided, single submitter. Criteria: Invitae Variant Classification Sherloc (09022015). Collection method: clinical testing. Allele origin: germline.